The following is an entry in ClinVar:

ClinVar aggregate classification (germline): Uncertain significance (1 of 4 stars; one submission).

Conditions:
Familial thoracic aortic aneurysm and aortic dissection (TAAD). Also called: Thoracic aortic aneurysms and dissections. Identifiers: Orphanet 91387, MedGen C4707243, MONDO:0019625.

Submission:

Ambry Genetics
Classification: Uncertain significance for Familial thoracic aortic aneurysm and aortic dissection. Last evaluated: 2021-11-19. Review status: criteria provided, single submitter. Criteria: Ambry Variant Classification Scheme 2023. Collection method: clinical testing. Allele origin: germline.
Comment: The p.T68A variant (also known as c.202A>G), located in coding exon 1 of the CBS gene, results from an A to G substitution at nucleotide position 202. The threonine at codon 68 is replaced by alanine, an amino acid with similar properties. This amino acid position is conserved. In addition, this alteration is predicted to be tolerated by in silico analysis. Since supporting evidence is limited at this time, the clinical significance of this alteration remains unclear.

NM_000071.3(CBS):c.202A>G (p.Thr68Ala)

Gene: CBS (cystathionine beta-synthase; minus strand). Cytogenetic location: 21q22.3.
Variant type: single nucleotide variant.
Coding change: c.202A>G on transcript NM_000071.3 (MANE Select); coding-DNA position 202, A replaced by G.
Protein change: p.Thr68Ala; replaces threonine 68 with alanine.
Molecular consequence: missense variant.
Genome position (GRCh38, 1-based): chr21:43,071,992, T>C on the plus strand (A>G on the coding strand, the complement: CBS is on the minus strand). VCF-style: chr21-43071992-T-C. GRCh37 (hg19) VCF-style: chr21-44492102-T-C.
Other names: c.202A>G, p.Thr68Ala (NM_001178008.3, NM_001178009.3, NM_001320298.2); short protein forms T68A.
Identifiers: ClinVar variation 1784723 (VCV001784723.2), dbSNP rs2517482628, ClinGen allele CA410602231.